The following is an entry in ClinVar:

ClinVar aggregate classification (germline): Likely benign (1 of 4 stars; one submission).

gnomAD v4.1: 6 of 1,613,876 alleles (0.00037%); highest among the groups gnomAD compares: Non-Finnish European, 0.00051%; no homozygotes.

Submission:

CeGaT Center for Human Genetics Tuebingen
Classification: Likely benign. Last evaluated: 2025-12-01. Review status: criteria provided, single submitter. Criteria: CeGaT Center For Human Genetics Tuebingen Variant Classification Criteria Version 2. Collection method: clinical testing. Allele origin: germline. Affected: yes. Observed: 1 variant allele.
Comment: SERPIND1: BP4, BP7

NM_000185.4(SERPIND1):c.213A>T (p.Pro71=)

Genes: PI4KA (phosphatidylinositol 4-kinase alpha; minus strand), SERPIND1 (serpin family D member 1; plus strand). Cytogenetic location: 22q11.21.
Variant type: single nucleotide variant.
Coding change: c.213A>T on transcript NM_000185.4 (MANE Select); coding-DNA position 213, A replaced by T.
Protein change: p.Pro71=; no amino-acid change (proline 71 retained).
Molecular consequence: synonymous variant. On other transcripts: intron variant (3).
Genome position (GRCh38, 1-based): chr22:20,779,525, A>T. VCF-style: chr22-20779525-A-T. GRCh37 (hg19) VCF-style: chr22-21133813-A-T.
Other names: c.2262+13668T>A (NM_001362863.2); c.2328+13668T>A (NM_001362862.2, NM_058004.4).
Identifiers: ClinVar variation 4681650 (VCV004681650.5).